The following is an entry in ClinVar:

NM_007294.4(BRCA1):c.2601_2604dup (p.Phe869fs)

Gene: BRCA1 (BRCA1 DNA repair associated; minus strand). Cytogenetic location: 17q21.31.
Variant type: Duplication.
Coding change: c.2601_2604dup on transcript NM_007294.4 (MANE Select); coding-DNA positions 2601 to 2604, 4 bases duplicated (GTCA; older notation c.2601_2604dupGTCA).
Protein change: p.Phe869fs; shifts the reading frame from phenylalanine 869.
Molecular consequence: frameshift variant. On other transcripts: intron variant (137).
Genome position (GRCh38, 1-based): chr17:43,092,927-43,092,930, TGAC duplicated on the plus strand (GTCA on the coding strand, the reverse complement: BRCA1 is on the minus strand); duplicating any 4 consecutive bases within chr17:43,092,927-43,092,932 gives the same sequence; the c. name uses the placement nearest the transcript's 3' end. VCF-style (leftmost placement, unchanged base first): chr17-43092926-A-ATGAC. GRCh37 (hg19) VCF-style: chr17-41244943-A-ATGAC.
Other names: 2723ins4; c.2601_2604dupGTCA (NM_007294.3); c.2475_2478dup, p.Phe827fs (NM_001407691.1, NM_001407940.1, NM_001407941.1 and 11 more transcripts); c.2460_2463dup, p.Phe822fs (NM_001407692.1, NM_001407694.1, NM_001407695.1 and 29 more transcripts); c.2457_2460dup, p.Phe821fs (NM_001407740.1, NM_001407741.1, NM_001407742.1 and 20 more transcripts); c.2388_2391dup, p.Phe798fs (NM_001407853.1, NM_001407894.1, NM_001407895.1 and 9 more transcripts); c.2601_2604dup, p.Phe869fs (NM_001407854.1, NM_001407858.1, NM_001407859.1 and 30 more transcripts); c.2598_2601dup, p.Phe868fs (NM_001407860.1, NM_001407861.1, NM_001407587.1 and 22 more transcripts); and 43 more; short protein forms F869fs, F822fs, F742fs, F758fs, F798fs, F828fs, F866fs, F701fs.
Identifiers: ClinVar variation 254415 (VCV000254415.4), dbSNP rs80357603, ClinGen allele CA001715.

ClinVar aggregate classification (germline): Pathogenic. Review status: reviewed by expert panel (3 of 4 stars). 2 submissions from 2 submitters: Pathogenic (1). 1 of the submissions does not count toward it. Last evaluated 2016-09-08.

Conditions:
Breast-ovarian cancer, familial, susceptibility to, 1 (BROVCA1). Also called: BRCA1 Hereditary Breast and Ovarian Cancer; OVARIAN CANCER, SUSCEPTIBILITY TO. Identifiers: Orphanet 145, MedGen C2676676, MONDO:0011450, OMIM 604370. Disease mechanism: loss of function.

Submissions (2):

Evidence-based Network for the Interpretation of Germline Mutant Alleles (ENIGMA)
Classification: Pathogenic for Breast-ovarian cancer, familial, susceptibility to, 1. Last evaluated: 2016-09-08. Review status: reviewed by expert panel. Criteria: ENIGMA BRCA1/2 Classification Criteria (2015). Collection method: curation. Allele origin: germline.
Comment: Variant allele predicted to encode a truncated non-functional protein.

Breast Cancer Information Core (BIC) (BRCA1)
Classification: Pathogenic for Breast-ovarian cancer, familial 1. Review status: no assertion criteria provided. Collection method: clinical testing. Allele origin: somatic. Affected: yes. Observed: 1 variant allele. Not counted in ClinVar's aggregate classification.